The following is an entry in ClinVar:

NM_007294.4(BRCA1):c.3771_3772del (p.Asn1259fs)

Genes: BRCA1 (BRCA1 DNA repair associated; minus strand), LOC126862571 (BRD4-independent group 4 enhancer GRCh37_chr17:41243136-41244335; plus strand). Cytogenetic location: 17q21.31.
Variant type: Deletion.
Coding change: c.3771_3772del on transcript NM_007294.4 (MANE Select); coding-DNA positions 3771 to 3772, 2 bases deleted (GG; older notation c.3771_3772delGG).
Protein change: p.Asn1259fs; shifts the reading frame from asparagine 1259.
Molecular consequence: frameshift variant. On other transcripts: intron variant (135).
Genome position (GRCh38, 1-based): chr17:43,091,759-43,091,760, CC deleted on the plus strand (GG on the coding strand, the reverse complement: BRCA1 is on the minus strand). VCF-style (leftmost placement, unchanged base first): chr17-43091758-TCC-T. GRCh37 (hg19) VCF-style: chr17-41243775-TCC-T.
Other names: 3890delGG; c.3630_3631del, p.Asn1212fs (NM_001407751.1, NM_001407752.1, NM_001407850.1 and 29 more transcripts); c.3627_3628del, p.Asn1211fs (NM_001407838.1, NM_001407839.1, NM_001407841.1 and 20 more transcripts); c.3558_3559del, p.Asn1188fs (NM_001407853.1, NM_001407894.1, NM_001407895.1 and 9 more transcripts); c.3771_3772del, p.Asn1259fs (NM_001407854.1, NM_001407858.1, NM_001407859.1 and 30 more transcripts); c.3768_3769del, p.Asn1258fs (NM_001407860.1, NM_001407861.1, NM_001407587.1 and 22 more transcripts); c.3570_3571del, p.Asn1192fs (NM_001407862.1); c.3648_3649del, p.Asn1218fs (NM_001407863.1, NM_001407919.1, NM_001407937.1 and 19 more transcripts); and 42 more; short protein forms N1212fs, N1259fs, N1147fs, N1170fs, N1256fs, N1188fs, N1211fs, N1218fs.
Identifiers: ClinVar variation 125650 (VCV000125650.3), dbSNP rs80357810, ClinGen allele CA002425.

ClinVar aggregate classification (germline): Pathogenic. Review status: reviewed by expert panel (3 of 4 stars). 2 submissions from 2 submitters: Pathogenic (1). 1 of the submissions does not count toward it. Last evaluated 2016-09-08.

Conditions:
Breast-ovarian cancer, familial, susceptibility to, 1 (BROVCA1). Also called: BRCA1 Hereditary Breast and Ovarian Cancer; OVARIAN CANCER, SUSCEPTIBILITY TO. Identifiers: Orphanet 145, MedGen C2676676, MONDO:0011450, OMIM 604370. Disease mechanism: loss of function.

Submissions (2):

Evidence-based Network for the Interpretation of Germline Mutant Alleles (ENIGMA)
Classification: Pathogenic for Breast-ovarian cancer, familial, susceptibility to, 1. Last evaluated: 2016-09-08. Review status: reviewed by expert panel. Criteria: ENIGMA BRCA1/2 Classification Criteria (2015). Collection method: curation. Allele origin: germline.
Comment: Variant allele predicted to encode a truncated non-functional protein.

Breast Cancer Information Core (BIC) (BRCA1)
Classification: Pathogenic for Breast-ovarian cancer, familial 1. Last evaluated: 1997-04-10. Review status: no assertion criteria provided. Collection method: clinical testing. Allele origin: germline. Affected: yes. Observed: 1 variant allele. Not counted in ClinVar's aggregate classification.